The following is an entry in ClinVar:

ClinVar aggregate classification (germline): Likely pathogenic. Review status: criteria provided, multiple submitters, no conflicts (2 of 4 stars). 2 submissions from 2 submitters: Likely pathogenic (2). Last evaluated 2023-03-23.

Conditions:
Acyl-CoA dehydrogenase 9 deficiency. Also called: Acyl-CoA dehydrogenase family, member 9, deficiency of; MITOCHONDRIAL COMPLEX I DEFICIENCY, NUCLEAR TYPE 20. Identifiers: Orphanet 99901, MedGen C4747517, MONDO:0012624, OMIM 611126.

Allele frequency attached by ClinVar (database versions not stated): ExAC 0.00001; gnomAD 0.00001; gnomAD exomes 0.00001.
gnomAD v4.1: 4 of 1,613,976 alleles (0.00025%); highest among the groups gnomAD compares: South Asian, 0.0033%; no homozygotes.

Submissions (2):

Baylor Genetics
Classification: Likely pathogenic for Acyl-CoA dehydrogenase 9 deficiency. Last evaluated: 2023-03-23. Review status: criteria provided, single submitter. Criteria: ACMG Guidelines, 2015. Collection method: clinical testing. Allele origin: unknown.

Labcorp Genetics (formerly Invitae), Labcorp
Classification: Likely pathogenic. Last evaluated: 2021-12-20. Review status: criteria provided, single submitter. Criteria: Invitae Variant Classification Sherloc (09022015). Collection method: clinical testing. Allele origin: germline.
Comment: This variant has not been reported in the literature in individuals affected with ACAD9-related conditions. This variant is present in population databases (rs754311198, gnomAD 0.003%). This sequence change affects an acceptor splice site in intron 12 of the ACAD9 gene. It is expected to disrupt RNA splicing. Variants that disrupt the donor or acceptor splice site typically lead to a loss of protein function (PMID: 16199547), and loss-of-function variants in ACAD9 are known to be pathogenic (PMID: 25721401). Algorithms developed to predict the effect of sequence changes on RNA splicing suggest that this variant may disrupt the consensus splice site. In summary, the currently available evidence indicates that the variant is pathogenic, but additional data are needed to prove that conclusively. Therefore, this variant has been classified as Likely Pathogenic.

Literature cited by the submitters: PubMed 16199547 (cited by Labcorp Genetics (formerly Invitae), Labcorp); PubMed 25721401 (cited by Labcorp Genetics (formerly Invitae), Labcorp).

NM_014049.5(ACAD9):c.1279-2A>C

Gene: ACAD9 (acyl-CoA dehydrogenase family member 9; plus strand). Cytogenetic location: 3q21.3.
Variant type: single nucleotide variant.
Coding change: c.1279-2A>C on transcript NM_014049.5 (MANE Select); the canonical splice acceptor site of the intron before coding-DNA position 1279, A replaced by C.
Molecular consequence: splice acceptor variant.
Genome position (GRCh38, 1-based): chr3:128,908,183, A>C. VCF-style: chr3-128908183-A-C. GRCh37 (hg19) VCF-style: chr3-128627026-A-C.
Other names: c.910-2A>C (NM_001410805.1).
Identifiers: ClinVar variation 2050551 (VCV002050551.5), dbSNP rs754311198, ClinGen allele CA2601483.
Genomic context (GRCh38, chr3:128,908,183, plus strand): 5'-GTGGCACTACCATGGCTGCCTGGCCGGGGGGCAGCCTTTGACCTCTACACTACTGACCAC[A>C]GGGAACCAATGAGATTCTCCGGATGTACATCGCCCTGACGGGTCTGCAGCATGCCGGCCG-3'